The following is an entry in ClinVar:

ClinVar aggregate classification (germline): Uncertain significance (1 of 4 stars; one submission).

Conditions:
Hereditary cancer-predisposing syndrome. Also called: Hereditary Cancer Syndrome; Hereditary neoplastic syndrome; Neoplastic Syndromes, Hereditary; Tumor predisposition. Identifiers: Orphanet 140162, MedGen C0027672, MeSH D009386, MONDO:0015356.

Submission:

Ambry Genetics
Classification: Uncertain significance for Hereditary cancer-predisposing syndrome. Last evaluated: 2024-07-09. Review status: criteria provided, single submitter. Criteria: Ambry Variant Classification Scheme 2023. Collection method: clinical testing. Allele origin: germline.
Comment: The p.T345S variant (also known as c.1033A>T), located in coding exon 10 of the RB1 gene, results from an A to T substitution at nucleotide position 1033. The threonine at codon 345 is replaced by serine, an amino acid with similar properties. This amino acid position is poorly conserved in available vertebrate species. In addition, this alteration is predicted to be tolerated by in silico analysis. Since supporting evidence is limited at this time, the clinical significance of this alteration remains unclear.

NM_000321.3(RB1):c.1033A>T (p.Thr345Ser)

Gene: RB1 (RB transcriptional corepressor 1; plus strand). Cytogenetic location: 13q14.2.
Variant type: single nucleotide variant.
Coding change: c.1033A>T on transcript NM_000321.3 (MANE Select); coding-DNA position 1033, A replaced by T.
Protein change: p.Thr345Ser; replaces threonine 345 with serine.
Molecular consequence: missense variant.
Genome position (GRCh38, 1-based): chr13:48,367,587, A>T. VCF-style: chr13-48367587-A-T. GRCh37 (hg19) VCF-style: chr13-48941723-A-T.
Other names: c.1033A>T, p.Thr345Ser (NM_001407165.1, NM_001407166.1); short protein forms T345S.
Identifiers: ClinVar variation 1771804 (VCV001771804.3), dbSNP rs2542188668, ClinGen allele CA388160907.